The following is an entry in ClinVar:

NM_030962.4(SBF2):c.5011C>T (p.Leu1671Phe)

Genes: SBF2-AS1 (SBF2 antisense RNA 1; plus strand), SBF2 (SET binding factor 2; minus strand), LOC105369149 (uncharacterized LOC105369149; plus strand). Cytogenetic location: 11p15.4.
Variant type: single nucleotide variant.
Coding change: c.5011C>T on transcript NM_030962.4 (MANE Select); coding-DNA position 5011, C replaced by T.
Protein change: p.Leu1671Phe; replaces leucine 1671 with phenylalanine.
Molecular consequence: missense variant.
Genome position (GRCh38, 1-based): chr11:9,787,660, G>A on the plus strand (C>T on the coding strand, the complement: SBF2 is on the minus strand). VCF-style: chr11-9787660-G-A. GRCh37 (hg19) VCF-style: chr11-9809207-G-A.
Other names: c.5107C>T, p.Leu1703Phe (NM_001386339.1); c.4882C>T, p.Leu1628Phe (NM_001386342.1); c.5047C>T, p.Leu1683Phe (NM_001424318.1, NM_001425070.1); c.4906C>T, p.Leu1636Phe (NM_001425069.1); short protein forms L1703F, L1636F, L1628F, L1671F, L1683F.
Identifiers: ClinVar variation 3635018 (VCV003635018.2).

ClinVar aggregate classification (germline): Uncertain significance (1 of 4 stars; one submission).

Conditions:
Charcot-Marie-Tooth disease type 4. Also called: Charcot-Marie-Tooth disease, type IV; Charcot-Marie-Tooth, Type 4. Identifiers: Orphanet 64749, MedGen C4082197, MONDO:0018995.

gnomAD v4.1: 3 of 1,614,184 alleles (0.00019%); highest among the groups gnomAD compares: Admixed American, 0.005%; no homozygotes.

Submission:

Labcorp Genetics (formerly Invitae), Labcorp
Classification: Uncertain significance for Charcot-Marie-Tooth disease type 4. Last evaluated: 2024-06-14. Review status: criteria provided, single submitter. Criteria: Invitae Variant Classification Sherloc (09022015). Collection method: clinical testing. Allele origin: germline.
Comment: This sequence change replaces leucine, which is neutral and non-polar, with phenylalanine, which is neutral and non-polar, at codon 1671 of the SBF2 protein (p.Leu1671Phe). This variant is present in population databases (no rsID available, gnomAD 0.006%). This variant has not been reported in the literature in individuals affected with SBF2-related conditions. Advanced modeling of protein sequence and biophysical properties (such as structural, functional, and spatial information, amino acid conservation, physicochemical variation, residue mobility, and thermodynamic stability) performed at Invitae indicates that this missense variant is not expected to disrupt SBF2 protein function with a negative predictive value of 80%. In summary, the available evidence is currently insufficient to determine the role of this variant in disease. Therefore, it has been classified as a Variant of Uncertain Significance.